The following is an entry in ClinVar:

NM_000179.3(MSH6):c.118G>C (p.Ala40Pro)

Gene: MSH6 (mutS homolog 6; plus strand). Cytogenetic location: 2p16.3.
Variant type: single nucleotide variant.
Coding change: c.118G>C on transcript NM_000179.3 (MANE Select); coding-DNA position 118, G replaced by C.
Protein change: p.Ala40Pro; replaces alanine 40 with proline.
Molecular consequence: missense variant. On other transcripts: 5 prime UTR variant (1).
Genome position (GRCh38, 1-based): chr2:47,783,351, G>C. VCF-style: chr2-47783351-G-C. GRCh37 (hg19) VCF-style: chr2-48010490-G-C.
Other names: c.118G>C, p.Ala40Pro (NM_001281492.2); c.-619G>C (NM_001281493.2); short protein forms A40P.
Identifiers: ClinVar variation 455122 (VCV000455122.11), dbSNP rs754231971, ClinGen allele CA067292.
Genomic context (GRCh38, chr2:47,783,351, plus strand): 5'-GCCAACAAGGCCTCGGCCAGGGCCTCACGCGAAGGCGGCCGTGCCGCCGCTGCCCCCGGG[G>C]CCTCTCCTTCCCCAGGCGGGGATGCGGCCTGGAGCGAGGCTGGGCCTGGGCCCAGGCCCT-3'
Protein context (NP_000170.1, residues 30-50): EGGRAAAAPG[Ala40Pro]SPSPGGDAAW

ClinVar aggregate classification (germline): Conflicting classifications of pathogenicity. Review status: criteria provided, conflicting classifications (1 of 4 stars). 2 submissions from 2 submitters: Uncertain significance (1); Benign (1). Last evaluated 2024-07-01.

Conditions:
Hereditary nonpolyposis colorectal neoplasms. Identifiers: MedGen C0009405, MeSH D003123.
Hereditary cancer-predisposing syndrome. Also called: Hereditary Cancer Syndrome; Hereditary neoplastic syndrome; Neoplastic Syndromes, Hereditary; Tumor predisposition. Identifiers: Orphanet 140162, MedGen C0027672, MeSH D009386, MONDO:0015356.

Allele frequency attached by ClinVar (database versions not stated): gnomAD exomes below 0.00001; ExAC 0.00001.

Submissions (2):

Labcorp Genetics (formerly Invitae), Labcorp
Classification: Benign for Hereditary nonpolyposis colorectal neoplasms. Last evaluated: 2024-07-01. Review status: criteria provided, single submitter. Criteria: Invitae Variant Classification Sherloc (09022015). Collection method: clinical testing. Allele origin: germline.

Ambry Genetics
Classification: Uncertain significance for Hereditary cancer-predisposing syndrome. Last evaluated: 2020-03-06. Review status: criteria provided, single submitter. Criteria: Ambry Variant Classification Scheme 2023. Collection method: clinical testing. Allele origin: germline.
Comment: The p.A40P variant (also known as c.118G>C), located in coding exon 1 of the MSH6 gene, results from a G to C substitution at nucleotide position 118. The alanine at codon 40 is replaced by proline, an amino acid with highly similar properties. This amino acid position is well conserved on limited sequence alignment. In addition, the in silico prediction for this alteration is inconclusive. Since supporting evidence is limited at this time, the clinical significance of this alteration remains unclear.